The following is an entry in ClinVar:

ClinVar aggregate classification (germline): Uncertain significance (0 of 4 stars; one submission).

Conditions:
FBN2-related disorder. Also called: FBN2-related condition.

Submission:

PreventionGenetics, part of Exact Sciences
Classification: Uncertain significance for FBN2-related condition. Last evaluated: 2024-06-21. Review status: no assertion criteria provided. Collection method: clinical testing. Allele origin: germline.
Comment: The FBN2 c.4157_4159delATA variant is predicted to result in an in-frame deletion (p.Asn1386del). To our knowledge, this variant has not been reported in the literature or in a large population database, indicating this variant is rare. At this time, the clinical significance of this variant is uncertain due to the absence of conclusive functional and genetic evidence.

NM_001999.4(FBN2):c.4157_4159del (p.Asn1386del)

Gene: FBN2 (fibrillin 2; minus strand). Cytogenetic location: 5q23.3.
Variant type: Deletion.
Coding change: c.4157_4159del on transcript NM_001999.4 (MANE Select); coding-DNA positions 4157 to 4159, 3 bases deleted (ATA; older notation c.4157_4159delATA).
Protein change: p.Asn1386del; deletes asparagine 1386.
Molecular consequence: inframe deletion.
Genome position (GRCh38, 1-based): chr5:128,332,975-128,332,977, TAT deleted on the plus strand (ATA on the coding strand, the reverse complement: FBN2 is on the minus strand); deleting any 3 consecutive bases within chr5:128,332,975-128,332,978 gives the same sequence; the c. name uses the placement nearest the transcript's 3' end. VCF-style (leftmost placement, unchanged base first): chr5-128332974-ATAT-A. GRCh37 (hg19) VCF-style: chr5-127668666-ATAT-A.
Other names: short protein forms N1386del.
Identifiers: ClinVar variation 3347545 (VCV003347545.1).